The following is an entry in ClinVar:

ClinVar aggregate classification (germline): Uncertain significance (1 of 4 stars; one submission).

gnomAD v4.1: 2 of 1,584,658 alleles (0.00013%); highest among the groups gnomAD compares: Non-Finnish European, 0.00017%; no homozygotes.

Submission:

CeGaT Center for Human Genetics Tuebingen
Classification: Uncertain significance. Last evaluated: 2024-04-01. Review status: criteria provided, single submitter. Criteria: CeGaT Center For Human Genetics Tuebingen Variant Classification Criteria Version 2. Collection method: clinical testing. Allele origin: germline. Affected: yes. Observed: 1 variant allele.
Comment: SCN4A: PM2, BP4

NM_000334.4(SCN4A):c.2501G>T (p.Gly834Val)

Genes: GH-LCR (growth hormone locus control region; plus strand), SCN4A (sodium voltage-gated channel alpha subunit 4; minus strand). Cytogenetic location: 17q23.3.
Variant type: single nucleotide variant.
Coding change: c.2501G>T on transcript NM_000334.4 (MANE Select); coding-DNA position 2501, G replaced by T.
Protein change: p.Gly834Val; replaces glycine 834 with valine.
Molecular consequence: missense variant.
Genome position (GRCh38, 1-based): chr17:63,951,776, C>A on the plus strand (G>T on the coding strand, the complement: SCN4A is on the minus strand). VCF-style: chr17-63951776-C-A. GRCh37 (hg19) VCF-style: chr17-62029136-C-A.
Other names: short protein forms G834V.
Identifiers: ClinVar variation 3234750 (VCV003234750.20), dbSNP rs2509300461, ClinGen allele CA400626936.